The following is an entry in ClinVar:

ClinVar aggregate classification (germline): Uncertain significance. Review status: criteria provided, multiple submitters, no conflicts (2 of 4 stars). 2 submissions from 2 submitters: Uncertain significance (2). Last evaluated 2024-05-26.

Conditions:
Long QT syndrome (LQTS). Identifiers: MedGen C0023976, MeSH D008133, MONDO:0002442. Disease mechanism: loss of function. Inheritance: Various modes of inheritance.
Cardiovascular phenotype. Identifiers: MedGen CN230736.

Allele frequency attached by ClinVar (database versions not stated): gnomAD exomes below 0.00001.
gnomAD v4.1: 4 of 1,614,032 alleles (0.00025%); highest among the groups gnomAD compares: Non-Finnish European, 0.00034%; no homozygotes.

Submissions (2):

Ambry Genetics
Classification: Uncertain significance for Cardiovascular phenotype. Last evaluated: 2024-05-26. Review status: criteria provided, single submitter. Criteria: Ambry Variant Classification Scheme 2023. Collection method: clinical testing. Allele origin: germline.
Comment: The p.G299A variant (also known as c.896G>C), located in coding exon 10 of the ANK2 gene, results from a G to C substitution at nucleotide position 896. The glycine at codon 299 is replaced by alanine, an amino acid with similar properties. This amino acid position is conserved. In addition, this alteration is predicted to be deleterious by in silico analysis. Based on the available evidence, the clinical significance of this variant remains unclear.

Labcorp Genetics (formerly Invitae), Labcorp
Classification: Uncertain significance for Long QT syndrome. Last evaluated: 2023-12-15. Review status: criteria provided, single submitter. Criteria: Invitae Variant Classification Sherloc (09022015). Collection method: clinical testing. Allele origin: germline.
Comment: This sequence change replaces glycine, which is neutral and non-polar, with alanine, which is neutral and non-polar, at codon 299 of the ANK2 protein (p.Gly299Ala). This variant is not present in population databases (gnomAD no frequency). This variant has not been reported in the literature in individuals affected with ANK2-related conditions. Advanced modeling of protein sequence and biophysical properties (such as structural, functional, and spatial information, amino acid conservation, physicochemical variation, residue mobility, and thermodynamic stability) performed at Invitae indicates that this missense variant is not expected to disrupt ANK2 protein function with a negative predictive value of 80%. In summary, the available evidence is currently insufficient to determine the role of this variant in disease. Therefore, it has been classified as a Variant of Uncertain Significance.

NM_001148.6(ANK2):c.896G>C (p.Gly299Ala)

Gene: ANK2 (ankyrin 2; plus strand). Cytogenetic location: 4q26.
Variant type: single nucleotide variant.
Coding change: c.896G>C on transcript NM_001148.6 (MANE Select); coding-DNA position 896, G replaced by C.
Protein change: p.Gly299Ala; replaces glycine 299 with alanine.
Molecular consequence: missense variant.
Genome position (GRCh38, 1-based): chr4:113,249,768, G>C. VCF-style: chr4-113249768-G-C. GRCh37 (hg19) VCF-style: chr4-114170924-G-C.
Other names: c.833G>C, p.Gly278Ala (NM_001127493.3, NM_001354243.2, NM_001354244.2 and 14 more transcripts); c.896G>C, p.Gly299Ala (NM_001354225.2, NM_001354228.2, NM_001354245.2 and 9 more transcripts); c.809G>C, p.Gly270Ala (NM_001354249.2, NM_001354260.2, NM_001354264.2 and 16 more transcripts); c.884G>C, p.Gly295Ala (NM_001354269.3, NM_001386148.2, NM_001386186.2); c.941G>C, p.Gly314Ala (NM_001354230.2, NM_001354231.2, NM_001354237.2 and 5 more transcripts); c.854G>C, p.Gly285Ala (NM_001354261.2, NM_001386147.1, NM_001386160.1); c.947G>C, p.Gly316Ala (NM_001386174.1); c.923G>C, p.Gly308Ala (NM_001386175.1); and 1 more; short protein forms G285A, G308A, G278A, G295A, G316A, G270A, G287A, G299A.
Identifiers: ClinVar variation 2904883 (VCV002904883.4), dbSNP rs1003776131, ClinGen allele CA103801778.
Genomic context (GRCh38, chr4:113,249,768, plus strand): 5'-GAAATATAGATTTTTTTGAAGTGAACTTGGGCCTAATTCTTTAATTCTTTTGGCAGGATG[G>C]GTTGACACCACTTCACTGTGCTGCACGAAGTGGGCATGACCAAGTGGTGGAACTTCTGTT-3'
Protein context (NP_001139.3, residues 289-309): GGQIDAKTRD[Gly299Ala]LTPLHCAARS